The following is an entry in ClinVar:

NM_138982.4(MAPK10):c.1271G>A (p.Ser424Asn)

Gene: MAPK10 (mitogen-activated protein kinase 10; minus strand). Cytogenetic location: 4q21.3.
Variant type: single nucleotide variant.
Coding change: c.1271G>A on transcript NM_138982.4 (MANE Select); coding-DNA position 1271, G replaced by A.
Protein change: p.Ser424Asn; replaces serine 424 with asparagine.
Molecular consequence: missense variant. On other transcripts: 3 prime UTR variant (3).
Genome position (GRCh38, 1-based): chr4:86,017,352, C>T on the plus strand (G>A on the coding strand, the complement: MAPK10 is on the minus strand). VCF-style: chr4-86017352-C-T. GRCh37 (hg19) VCF-style: chr4-86938505-C-T.
Other names: c.1271G>A, p.Ser424Asn (NM_001318067.1, NM_001318069.2); c.836G>A, p.Ser279Asn (NM_001318068.1); c.1157G>A, p.Ser386Asn (NM_001351624.2, NM_138980.4); c.*7G>A (NM_001351625.3, NM_001363657.3, NM_002753.6); short protein forms S424N, S386N, S279N.
Identifiers: ClinVar variation 161805 (VCV000161805.2), dbSNP rs193921096, ClinGen allele CA174818.

ClinVar aggregate classification (germline): Uncertain significance (0 of 4 stars; one submission).

Conditions:
Prostate cancer. Also called: Malignant tumor of prostate. Identifiers: Orphanet 1331, MedGen C0376358, MONDO:0008315, HP:0012125.

Submission:

Science for Life laboratory,  Karolinska Institutet
Classification: Uncertain significance for Malignant tumor of prostate. Review status: no assertion criteria provided. Collection method: not provided. Allele origin: somatic.
Comment: TumorID:SWE-91A
ClinVar note: Converted during submission from Unknown to Uncertain significance.